The following is an entry in ClinVar:

NM_005051.3(QARS1):c.1614+2T>C

Gene: QARS1 (glutaminyl-tRNA synthetase 1; minus strand). Cytogenetic location: 3p21.31.
Variant type: single nucleotide variant.
Coding change: c.1614+2T>C on transcript NM_005051.3 (MANE Select); the canonical splice donor site of the intron after coding-DNA position 1614, T replaced by C.
Molecular consequence: splice donor variant.
Genome position (GRCh38, 1-based): chr3:49,099,342, A>G on the plus strand (T>C on the coding strand, the complement: QARS1 is on the minus strand). VCF-style: chr3-49099342-A-G. GRCh37 (hg19) VCF-style: chr3-49136775-A-G.
Other names: c.1581+2T>C (NM_001272073.2).
Identifiers: ClinVar variation 2755394 (VCV002755394.3), dbSNP rs1187534568, ClinGen allele CA352704521.

ClinVar aggregate classification (germline): Likely pathogenic (1 of 4 stars; one submission).

Conditions:
Diffuse cerebral and cerebellar atrophy - intractable seizures - progressive microcephaly syndrome. Also called: Microcephaly, progressive, with seizures and cerebral and cerebellar atrophy. Identifiers: Orphanet 404437, MedGen C4014239, MONDO:0014335, OMIM 615760.

gnomAD v4.1: 1 of 1,614,060 alleles (0.000062%); highest among the groups gnomAD compares: Non-Finnish European, 0.000085%; no homozygotes.

Submission:

Labcorp Genetics (formerly Invitae), Labcorp
Classification: Likely pathogenic for Diffuse cerebral and cerebellar atrophy - intractable seizures - progressive microcephaly syndrome. Last evaluated: 2024-09-30. Review status: criteria provided, single submitter. Criteria: Invitae Variant Classification Sherloc (09022015). Collection method: clinical testing. Allele origin: germline.
Comment: This sequence change affects a donor splice site in intron 17 of the QARS gene. It is expected to disrupt RNA splicing. Variants that disrupt the donor or acceptor splice site typically lead to a loss of protein function (PMID: 16199547), and loss-of-function variants in QARS are known to be pathogenic (PMID: 24656866, 25471517). This variant is not present in population databases (gnomAD no frequency). This variant has not been reported in the literature in individuals affected with QARS-related conditions. Algorithms developed to predict the effect of sequence changes on RNA splicing suggest that this variant may disrupt the consensus splice site. In summary, the currently available evidence indicates that the variant is pathogenic, but additional data are needed to prove that conclusively. Therefore, this variant has been classified as Likely Pathogenic.

Literature cited by the submitters: PubMed 16199547; PubMed 24656866; PubMed 25471517.